The following is an entry in ClinVar:

NM_015978.3(TNNI3K):c.596T>C (p.Val199Ala)

Genes: FPGT-TNNI3K (FPGT-TNNI3K readthrough; plus strand), TNNI3K (TNNI3 interacting kinase; plus strand). Cytogenetic location: 1p31.1.
Variant type: single nucleotide variant.
Coding change: c.596T>C on transcript NM_015978.3 (MANE Select); coding-DNA position 596, T replaced by C.
Protein change: p.Val199Ala; replaces valine 199 with alanine.
Molecular consequence: missense variant.
Genome position (GRCh38, 1-based): chr1:74,336,063, T>C. VCF-style: chr1-74336063-T-C. GRCh37 (hg19) VCF-style: chr1-74801747-T-C.
Other names: c.899T>C, p.Val300Ala (NM_001112808.3, NM_001199327.2); short protein forms V199A, V300A.
Identifiers: ClinVar variation 1381410 (VCV001381410.8), dbSNP rs776040636, ClinGen allele CA908957.
Genomic context (GRCh38, chr1:74,336,063, plus strand): 5'-TCCTTTAGGTAACTCGCCTTCTTTTGAAATTTGGTGCTGATGTAAATGTAAGTGGTGAAG[T>C]TGGAGATAGACCCCTCCACCTAGCATCTGCAAAAGGATTCTTGAATATTGCAAAACTCTT-3'
Protein context (NP_057062.1, residues 189-209): FGADVNVSGE[Val199Ala]GDRPLHLASA

ClinVar aggregate classification (germline): Uncertain significance (1 of 4 stars; one submission).

Allele frequency attached by ClinVar (database versions not stated): gnomAD exomes below 0.00001; TOPMed below 0.00001; ExAC 0.00001.
gnomAD v4.1: 2 of 1,600,496 alleles (0.00012%); highest among the groups gnomAD compares: Non-Finnish European, 0.00017%; no homozygotes.

Submission:

Labcorp Genetics (formerly Invitae), Labcorp
Classification: Uncertain significance. Last evaluated: 2025-11-22. Review status: criteria provided, single submitter. Criteria: Invitae Variant Classification Sherloc (09022015). Collection method: clinical testing. Allele origin: germline.
Comment: This sequence change replaces valine, which is neutral and non-polar, with alanine, which is neutral and non-polar, at codon 199 of the TNNI3K protein (p.Val199Ala). This variant is present in population databases (rs776040636, gnomAD 0.0009%). This variant has not been reported in the literature in individuals affected with TNNI3K-related conditions. ClinVar contains an entry for this variant (Variation ID: 1381410). Invitae Evidence Modeling of protein sequence and biophysical properties (such as structural, functional, and spatial information, amino acid conservation, physicochemical variation, residue mobility, and thermodynamic stability) indicates that this missense variant is not expected to disrupt TNNI3K protein function with a negative predictive value of 80%. In summary, the available evidence is currently insufficient to determine the role of this variant in disease. Therefore, it has been classified as a Variant of Uncertain Significance.